The following is an entry in ClinVar:

NM_001999.4(FBN2):c.860G>A (p.Cys287Tyr)

Gene: FBN2 (fibrillin 2; minus strand). Cytogenetic location: 5q23.3.
Variant type: single nucleotide variant.
Coding change: c.860G>A on transcript NM_001999.4 (MANE Select); coding-DNA position 860, G replaced by A.
Protein change: p.Cys287Tyr; replaces cysteine 287 with tyrosine.
Molecular consequence: missense variant.
Genome position (GRCh38, 1-based): chr5:128,446,573, C>T on the plus strand (G>A on the coding strand, the complement: FBN2 is on the minus strand). VCF-style: chr5-128446573-C-T. GRCh37 (hg19) VCF-style: chr5-127782266-C-T.
Other names: c.860G>A (NM_001999.3); short protein forms C287Y.
Identifiers: ClinVar variation 3669359 (VCV003669359.3).

ClinVar aggregate classification (germline): Uncertain significance. Review status: criteria provided, multiple submitters, no conflicts (2 of 4 stars). 2 submissions from 2 submitters: Uncertain significance (2). Last evaluated 2025-12-21.

Conditions:
Familial thoracic aortic aneurysm and aortic dissection (TAAD). Also called: Thoracic aortic aneurysms and dissections. Identifiers: Orphanet 91387, MedGen C4707243, MONDO:0019625.
Congenital contractural arachnodactyly (CCA). Also called: BEALS SYNDROME; Beals-Hecht syndrome; Arthrogryposis, distal, type 9. Identifiers: Orphanet 115, MedGen C0220668, MONDO:0007363, OMIM 121050.

Submissions (2):

Ambry Genetics
Classification: Uncertain significance for Familial thoracic aortic aneurysm and aortic dissection. Last evaluated: 2025-12-21. Review status: criteria provided, single submitter. Criteria: Ambry Variant Classification Scheme 2023. Collection method: clinical testing. Allele origin: germline.
Comment: The p.C287Y variant (also known as c.860G>A), located in coding exon 7 of the FBN2 gene, results from a G to A substitution at nucleotide position 860. The cysteine at codon 287 is replaced by tyrosine, an amino acid with highly dissimilar properties. This amino acid position is conserved. In addition, this alteration is predicted to be deleterious by in silico analysis. Based on the available evidence, the clinical significance of this variant remains unclear.

Labcorp Genetics (formerly Invitae), Labcorp
Classification: Uncertain significance for Congenital contractural arachnodactyly. Last evaluated: 2024-10-12. Review status: criteria provided, single submitter. Criteria: Invitae Variant Classification Sherloc (09022015). Collection method: clinical testing. Allele origin: germline.
Comment: This sequence change replaces cysteine, which is neutral and slightly polar, with tyrosine, which is neutral and polar, at codon 287 of the FBN2 protein (p.Cys287Tyr). This variant is not present in population databases (gnomAD no frequency). This variant has not been reported in the literature in individuals affected with FBN2-related conditions. Invitae Evidence Modeling of protein sequence and biophysical properties (such as structural, functional, and spatial information, amino acid conservation, physicochemical variation, residue mobility, and thermodynamic stability) indicates that this missense variant is expected to disrupt FBN2 protein function with a positive predictive value of 80%. In summary, the available evidence is currently insufficient to determine the role of this variant in disease. Therefore, it has been classified as a Variant of Uncertain Significance.